The following is an entry in ClinVar:

ClinVar aggregate classification (germline): Uncertain significance (1 of 4 stars; one submission).

Submission:

GeneDx
Classification: Uncertain significance. Last evaluated: 2025-04-18. Review status: criteria provided, single submitter. Criteria: GeneDx Variant Classification Process June 2021. Collection method: clinical testing. Allele origin: germline. Affected: yes.
Comment: Not observed at significant frequency in large population cohorts (gnomAD); In silico analysis supports that this missense variant has a deleterious effect on protein structure/function; Has not been previously published as pathogenic or benign to our knowledge

NM_057175.5(NAA15):c.80G>C (p.Arg27Thr)

Gene: NAA15 (N-alpha-acetyltransferase 15, NatA auxiliary subunit; plus strand). Cytogenetic location: 4q31.1.
Variant type: single nucleotide variant.
Coding change: c.80G>C on transcript NM_057175.5 (MANE Select); coding-DNA position 80, G replaced by C.
Protein change: p.Arg27Thr; replaces arginine 27 with threonine.
Molecular consequence: missense variant.
Genome position (GRCh38, 1-based): chr4:139,334,199, G>C. VCF-style: chr4-139334199-G-C. GRCh37 (hg19) VCF-style: chr4-140255353-G-C.
Other names: c.80G>C, p.Arg27Thr (NM_001410842.1); short protein forms R27T.
Identifiers: ClinVar variation 4282234 (VCV004282234.1).